The following is an entry in ClinVar:

ClinVar aggregate classification (germline): Benign/Likely benign. Review status: criteria provided, multiple submitters, no conflicts (2 of 4 stars). 8 submissions from 8 submitters: Benign (1); Likely benign (7). Last evaluated 2025-11-09.

Conditions:
Hereditary cancer-predisposing syndrome. Also called: Hereditary neoplastic syndrome; Neoplastic Syndromes, Hereditary; Hereditary Cancer Syndrome; Tumor predisposition. Identifiers: Orphanet 140162, MedGen C0027672, MeSH D009386, MONDO:0015356.
Multiple endocrine neoplasia, type 1 (MEN1). Also called: MEA I; MEN I; WERMER SYNDROME; Endocrine adenomatosis multiple; MEN 1. Identifiers: Orphanet 652, MedGen C0025267, MeSH D018761, MONDO:0007540, OMIM 131100.

Allele frequency attached by ClinVar (database versions not stated): TOPMed below 0.00001; gnomAD 0.00001; ExAC 0.00002; gnomAD exomes 0.00002.
gnomAD v4.1: 23 of 1,613,754 alleles (0.0014%); highest among the groups gnomAD compares: Non-Finnish European, 0.0019%; no homozygotes.

Submissions (8):

Labcorp Genetics (formerly Invitae), Labcorp
Classification: Likely benign for Multiple endocrine neoplasia, type 1. Last evaluated: 2025-11-09. Review status: criteria provided, single submitter. Criteria: Invitae Variant Classification Sherloc (09022015). Collection method: clinical testing. Allele origin: germline.

CeGaT Center for Human Genetics Tuebingen
Classification: Likely benign. Last evaluated: 2025-08-01. Review status: criteria provided, single submitter. Criteria: CeGaT Center For Human Genetics Tuebingen Variant Classification Criteria Version 2. Collection method: clinical testing. Allele origin: germline. Affected: yes. Observed: 2 variant alleles.
Comment: MEN1: BP4, BP7

Myriad Genetics, Inc.
Classification: Benign for Multiple endocrine neoplasia, type 1. Last evaluated: 2024-10-31. Review status: criteria provided, single submitter. Criteria: Myriad Autosomal Dominant, Autosomal Recessive and X-Linked Classification Criteria (2023). Collection method: clinical testing. Allele origin: unknown.
Comment: This variant is considered benign. This variant is a silent/synonymous amino acid change and it is not expected to impact splicing.

Blueprint Genetics
Classification: Likely benign. Last evaluated: 2024-06-29. Review status: criteria provided, single submitter. Criteria: ACMG Guidelines, 2015. Collection method: clinical testing. Allele origin: germline.

Color Diagnostics, LLC DBA Color Health
Classification: Likely benign for Multiple endocrine neoplasia, type 1. Last evaluated: 2022-11-06. Review status: criteria provided, single submitter. Criteria: ACMG Guidelines, 2015. Collection method: clinical testing. Allele origin: germline.

Ambry Genetics
Classification: Likely benign for Hereditary cancer-predisposing syndrome. Last evaluated: 2021-01-04. Review status: criteria provided, single submitter. Criteria: Ambry Variant Classification Scheme 2023. Collection method: clinical testing. Allele origin: germline.

GeneDx
Classification: Likely benign. Last evaluated: 2017-11-07. Review status: criteria provided, single submitter. Criteria: GeneDx Variant Classification (06012015). Collection method: clinical testing. Allele origin: germline. Affected: yes.
Comment: This variant is considered likely benign or benign based on one or more of the following criteria: it is a conservative change, it occurs at a poorly conserved position in the protein, it is predicted to be benign by multiple in silico algorithms, and/or has population frequency not consistent with disease.

PreventionGenetics, part of Exact Sciences
Classification: Likely benign. Last evaluated: 2017-02-20. Review status: criteria provided, single submitter. Criteria: ACMG Guidelines, 2015. Collection method: clinical testing. Allele origin: germline.

NM_001370259.2(MEN1):c.300C>G (p.Ala100=)

Gene: MEN1 (menin 1; minus strand). Cytogenetic location: 11q13.1.
Variant type: single nucleotide variant.
Coding change: c.300C>G on transcript NM_001370259.2 (MANE Select); coding-DNA position 300, C replaced by G.
Protein change: p.Ala100=; no amino-acid change (alanine 100 retained).
Molecular consequence: synonymous variant.
Genome position (GRCh38, 1-based): chr11:64,809,810, G>C on the plus strand (C>G on the coding strand, the complement: MEN1 is on the minus strand). VCF-style: chr11-64809810-G-C. GRCh37 (hg19) VCF-style: chr11-64577282-G-C.
Other names: c.300C>G, p.Ala100= (NM_000244.4, NM_001370251.2, NM_001370260.2 and 9 more transcripts).
Identifiers: ClinVar variation 457319 (VCV000457319.38), dbSNP rs773136972, ClinGen allele CA061062.